The following is an entry in ClinVar:

NM_016121.5(KCTD3):c.271A>G (p.Asn91Asp)

Gene: KCTD3 (potassium channel tetramerization domain containing 3; plus strand). Cytogenetic location: 1q41.
Variant type: single nucleotide variant.
Coding change: c.271A>G on transcript NM_016121.5 (MANE Select); coding-DNA position 271, A replaced by G.
Protein change: p.Asn91Asp; replaces asparagine 91 with aspartic acid.
Molecular consequence: missense variant. On other transcripts: 5 prime UTR variant (1).
Genome position (GRCh38, 1-based): chr1:215,577,683, A>G. VCF-style: chr1-215577683-A-G. GRCh37 (hg19) VCF-style: chr1-215751026-A-G.
Other names: c.271A>G, p.Asn91Asp (NM_001319294.2); c.-108A>G (NM_001319295.2); short protein forms N91D.
Identifiers: ClinVar variation 4858683 (VCV004858683.1).

ClinVar aggregate classification (germline): Uncertain significance (1 of 4 stars; one submission).

Conditions:
Inborn genetic diseases. Identifiers: MedGen C0950123, MeSH D030342.

gnomAD v4.1: 12 of 1,590,816 alleles (0.00075%); highest among the groups gnomAD compares: African/African-American, 0.0081%; no homozygotes.

Submission:

Ambry Genetics
Classification: Uncertain significance for Inborn genetic diseases. Last evaluated: 2026-03-27. Review status: criteria provided, single submitter. Criteria: Ambry Variant Classification Scheme 2023. Collection method: clinical testing. Allele origin: germline.
Comment: The c.271A>G (p.N91D) alteration is located in exon 5 (coding exon 5) of the KCTD3 gene. This alteration results from a A to G substitution at nucleotide position 271, causing the asparagine (N) at amino acid position 91 to be replaced by an aspartic acid (D). Based on data from gnomAD, the G allele has an overall frequency of 0.001% (3/282646) total alleles studied. The highest observed frequency was 0.008% (2/24962) of African alleles. Based on insufficient or conflicting evidence, the clinical significance of this alteration remains unclear.